The following is an entry in ClinVar:

ClinVar aggregate classification (germline): Conflicting classifications of pathogenicity. Review status: criteria provided, conflicting classifications (1 of 4 stars). 2 submissions from 2 submitters: Likely pathogenic (1); Uncertain significance (1). Last evaluated 2022-07-25.

Conditions:
TRPM1-related disorder. Also called: TRPM1-related condition.

Submissions (2):

Labcorp Genetics (formerly Invitae), Labcorp
Classification: Uncertain significance. Last evaluated: 2022-07-25. Review status: criteria provided, single submitter. Criteria: Invitae Variant Classification Sherloc (09022015). Collection method: clinical testing. Allele origin: germline.
Comment: This variant, c.1097_1117del, results in the deletion of 7 amino acid(s) of the TRPM1 protein (p.Gly366_Pro372del), but otherwise preserves the integrity of the reading frame. This variant is present in population databases (rs777828061, gnomAD 0.02%). This variant has not been reported in the literature in individuals affected with TRPM1-related conditions. ClinVar contains an entry for this variant (Variation ID: 933825). Experimental studies and prediction algorithms are not available or were not evaluated, and the functional significance of this variant is currently unknown. Algorithms developed to predict the effect of sequence changes on RNA splicing suggest that this variant may disrupt the consensus splice site. In summary, the available evidence is currently insufficient to determine the role of this variant in disease. Therefore, it has been classified as a Variant of Uncertain Significance.

Blueprint Genetics
Classification: Likely pathogenic for TRPM1-related disorders. Last evaluated: 2022-02-02. Review status: criteria provided, single submitter. Criteria: ACMG Guidelines, 2015. Collection method: clinical testing. Allele origin: germline. Affected: yes. Observed: 2 variant alleles.

NC_000015.10:g.31060629_31060649del

Gene: TRPM1 (transient receptor potential cation channel subfamily M member 1; minus strand). Cytogenetic location: 15q13.3.
Variant type: Deletion.
Genome position: GRCh38 VCF-style: chr15-31060623-TCTGGAGCAGATACGTTTGTTC-T. GRCh37 (hg19) VCF-style: chr15-31352826-TCTGGAGCAGATACGTTTGTTC-T.
Identifiers: ClinVar variation 933825 (VCV000933825.10), ClinGen allele CA7452651.